The following is an entry in ClinVar:

NM_024642.5(GALNT12):c.1320G>A (p.Glu440=)

Gene: GALNT12 (polypeptide N-acetylgalactosaminyltransferase 12; plus strand). Cytogenetic location: 9q22.33.
Variant type: single nucleotide variant.
Coding change: c.1320G>A on transcript NM_024642.5 (MANE Select); coding-DNA position 1320, G replaced by A.
Protein change: p.Glu440=; no amino-acid change (glutamic acid 440 retained).
Molecular consequence: synonymous variant.
Genome position (GRCh38, 1-based): chr9:98,840,109, G>A. VCF-style: chr9-98840109-G-A. GRCh37 (hg19) VCF-style: chr9-101602391-G-A.
Other names: c.1320G>A (NM_024642.4).
Identifiers: ClinVar variation 1477539 (VCV001477539.8), dbSNP rs2118470345, ClinGen allele CA466425153.

ClinVar aggregate classification (germline): Benign/Likely benign. Review status: criteria provided, multiple submitters, no conflicts (2 of 4 stars). 3 submissions from 3 submitters: Benign (1); Likely benign (2). Last evaluated 2026-04-27.

Conditions:
Colorectal cancer, susceptibility to, 1. Also called: COLORECTAL ADENOMA AND CANCER, SUSCEPTIBILITY TO; COLORECTAL CANCER, SUSCEPTIBILITY TO, ON CHROMOSOME 9. Identifiers: MedGen C1837315, MONDO:0012132, OMIM 608812.

Allele frequency attached by ClinVar (database versions not stated): gnomAD exomes below 0.00001.
gnomAD v4.1: 1 of 1,613,968 alleles (0.000062%); highest among the groups gnomAD compares: Non-Finnish European, 0.000085%; no homozygotes.

Submissions (3):

Myriad Genetics, Inc.
Classification: Benign for Colorectal cancer, susceptibility to, 1. Last evaluated: 2026-04-27. Review status: criteria provided, single submitter. Criteria: Myriad Autosomal Dominant, Autosomal Recessive and X-Linked Classification Criteria (2023). Collection method: clinical testing. Allele origin: unknown.
Comment: This variant is considered benign. This variant is a silent/synonymous amino acid change and it is not expected to impact splicing.

Ambry Genetics
Classification: Likely benign. Last evaluated: 2025-05-03. Review status: criteria provided, single submitter. Criteria: Ambry Variant Classification Scheme 2023. Collection method: clinical testing. Allele origin: germline.

Labcorp Genetics (formerly Invitae), Labcorp
Classification: Likely benign. Last evaluated: 2024-02-24. Review status: criteria provided, single submitter. Criteria: Invitae Variant Classification Sherloc (09022015). Collection method: clinical testing. Allele origin: germline.